The following is an entry in ClinVar:

ClinVar aggregate classification (germline): Uncertain significance (1 of 4 stars; one submission).

Conditions:
Combined immunodeficiency due to MALT1 deficiency. Also called: Immunodeficiency 12. Identifiers: Orphanet 397964, MedGen C3809583, MONDO:0014197, OMIM 615468.

Allele frequency attached by ClinVar (database versions not stated): gnomAD exomes below 0.00001.
gnomAD v4.1: 1 of 1,613,950 alleles (0.000062%); highest among the groups gnomAD compares: Non-Finnish European, 0.000085%; no homozygotes.

Submission:

Labcorp Genetics (formerly Invitae), Labcorp
Classification: Uncertain significance for Combined immunodeficiency due to MALT1 deficiency. Last evaluated: 2023-08-17. Review status: criteria provided, single submitter. Criteria: Invitae Variant Classification Sherloc (09022015). Collection method: clinical testing. Allele origin: germline.
Comment: This sequence change replaces valine, which is neutral and non-polar, with phenylalanine, which is neutral and non-polar, at codon 707 of the MALT1 protein (p.Val707Phe). This variant is not present in population databases (gnomAD no frequency). This variant has not been reported in the literature in individuals affected with MALT1-related conditions. ClinVar contains an entry for this variant (Variation ID: 566381). Advanced modeling of protein sequence and biophysical properties (such as structural, functional, and spatial information, amino acid conservation, physicochemical variation, residue mobility, and thermodynamic stability) performed at Invitae indicates that this missense variant is not expected to disrupt MALT1 protein function. In summary, the available evidence is currently insufficient to determine the role of this variant in disease. Therefore, it has been classified as a Variant of Uncertain Significance.

NM_006785.4(MALT1):c.2119G>T (p.Val707Phe)

Gene: MALT1 (MALT1 paracaspase; plus strand). Cytogenetic location: 18q21.32.
Variant type: single nucleotide variant.
Coding change: c.2119G>T on transcript NM_006785.4 (MANE Select); coding-DNA position 2119, G replaced by T.
Protein change: p.Val707Phe; replaces valine 707 with phenylalanine.
Molecular consequence: missense variant.
Genome position (GRCh38, 1-based): chr18:58,747,486, G>T. VCF-style: chr18-58747486-G-T. GRCh37 (hg19) VCF-style: chr18-56414718-G-T.
Other names: c.2086G>T, p.Val696Phe (NM_173844.3); c.2119G>T, p.Val707Phe (LRG_1221t1); short protein forms V707F, V696F.
Identifiers: ClinVar variation 566381 (VCV000566381.8), dbSNP rs1568159112, ClinGen allele CA402576565.